The following is an entry in ClinVar:

ClinVar aggregate classification (germline): Likely pathogenic (1 of 4 stars; one submission).

Conditions:
Neurodevelopmental disorder with regression, abnormal movements, loss of speech, and seizures. Identifiers: Orphanet 597623, MedGen C4748127, MONDO:0060759, OMIM 618088.

Submission:

Variantyx, Inc.
Classification: Likely pathogenic for Neurodevelopmental disorder with regression, abnormal movements, loss of speech, and seizures. Last evaluated: 2025-11-23. Review status: criteria provided, single submitter. Criteria: Variantyx Assertion Criteria 2022. Collection method: clinical testing. Allele origin: germline. Inheritance: Autosomal dominant inheritance. Affected: yes.
Comment: This is a frameshift variant in the IRF2BPL gene (OMIM: 611720). Pathogenic variants in this gene have been associated with autosomal dominant neurodevelopmental disorder with regression, abnormal movements, loss of speech, and seizures. This variant introduces a premature termination codon in exon 1 out of 1 and is expected to result in loss of function, which is a known disease mechanism for IRF2BPL in this disorder (PMID: 37346291, 28191890, 38235039, 30166628) (PVS1). This variant is absent from control populations (PM2), and it has not been reported in individuals with IRF2BPL-related disorders in the databases available for review. Based on the current evidence, this variant is classified as likely pathogenic for autosomal dominant neurodevelopmental disorder with regression, abnormal movements, loss of speech, and seizures.

Literature cited by the submitters: PubMed 37346291; PubMed 28191890; PubMed 38235039.

NM_024496.4(IRF2BPL):c.869del (p.Pro290fs)

Gene: IRF2BPL (interferon regulatory factor 2 binding protein like; minus strand). Cytogenetic location: 14q24.3.
Variant type: Deletion.
Coding change: c.869del on transcript NM_024496.4 (MANE Select); coding-DNA position 869, one base deleted (C; older notation c.869delC).
Protein change: p.Pro290fs; shifts the reading frame from proline 290.
Molecular consequence: frameshift variant.
Genome position (GRCh38, 1-based): chr14:77,026,924, G deleted on the plus strand (C on the coding strand, the reverse complement: IRF2BPL is on the minus strand); the first of 5 consecutive G bases (chr14:77,026,924-77,026,928); deleting any one gives the same sequence. VCF-style (leftmost placement, unchanged base first): chr14-77026923-TG-T. GRCh37 (hg19) VCF-style: chr14-77493266-TG-T.
Other names: short protein forms P290fs.
Identifiers: ClinVar variation 4849977 (VCV004849977.1).